The following is an entry in ClinVar:

ClinVar aggregate classification (germline): Uncertain significance (1 of 4 stars; one submission).

Conditions:
Developmental and epileptic encephalopathy, 12 (DEE12). Identifiers: MedGen C3150988, MONDO:0013389, OMIM 613722.

Allele frequency attached by ClinVar (database versions not stated): gnomAD exomes below 0.00001; ExAC 0.00001; TOPMed 0.00003; gnomAD 0.00004 and 0.00005; ESP Exome Variant Server 0.00008; 1000 Genomes Project 0.00020; 1000 Genomes Project 30x 0.00031.
gnomAD v4.1: 8 of 1,614,116 alleles (0.0005%); highest among the groups gnomAD compares: African/African-American, 0.011%; no homozygotes.

Submission:

Labcorp Genetics (formerly Invitae), Labcorp
Classification: Uncertain significance for Developmental and epileptic encephalopathy, 12. Last evaluated: 2025-01-06. Review status: criteria provided, single submitter. Criteria: Invitae Variant Classification Sherloc (09022015). Collection method: clinical testing. Allele origin: germline.
Comment: This sequence change replaces lysine, which is basic and polar, with asparagine, which is neutral and polar, at codon 951 of the PLCB1 protein (p.Lys951Asn). This variant is present in population databases (rs202226833, gnomAD 0.01%). This variant has not been reported in the literature in individuals affected with PLCB1-related conditions. ClinVar contains an entry for this variant (Variation ID: 647561). Invitae Evidence Modeling of protein sequence and biophysical properties (such as structural, functional, and spatial information, amino acid conservation, physicochemical variation, residue mobility, and thermodynamic stability) indicates that this missense variant is not expected to disrupt PLCB1 protein function with a negative predictive value of 80%. In summary, the available evidence is currently insufficient to determine the role of this variant in disease. Therefore, it has been classified as a Variant of Uncertain Significance.

NM_015192.4(PLCB1):c.2853G>C (p.Lys951Asn)

Gene: PLCB1 (phospholipase C beta 1; plus strand). Cytogenetic location: 20p12.3.
Variant type: single nucleotide variant.
Coding change: c.2853G>C on transcript NM_015192.4 (MANE Select); coding-DNA position 2853, G replaced by C.
Protein change: p.Lys951Asn; replaces lysine 951 with asparagine.
Molecular consequence: missense variant.
Genome position (GRCh38, 1-based): chr20:8,765,281, G>C. VCF-style: chr20-8765281-G-C. GRCh37 (hg19) VCF-style: chr20-8745928-G-C.
Other names: c.2853G>C, p.Lys951Asn (NM_182734.3); short protein forms K951N.
Identifiers: ClinVar variation 647561 (VCV000647561.11), dbSNP rs202226833, ClinGen allele CA9760394.